The following is an entry in ClinVar:

NM_001048174.2(MUTYH):c.913+3G>T

Gene: MUTYH (mutY DNA glycosylase; minus strand). Cytogenetic location: 1p34.1.
Variant type: single nucleotide variant.
Coding change: c.913+3G>T on transcript NM_001048174.2 (MANE Select); 3 bases into the intron after coding-DNA position 913, G replaced by T.
Molecular consequence: intron variant.
Genome position (GRCh38, 1-based): chr1:45,332,020, C>A on the plus strand (G>T on the coding strand, the complement: MUTYH is on the minus strand). VCF-style: chr1-45332020-C-A. GRCh37 (hg19) VCF-style: chr1-45797692-C-A.
Other names: c.568+3G>T (NM_001350651.2, NM_001350650.2); c.637+3G>T (NM_001293192.2, NM_001293196.2); c.913+3G>T (NM_001048171.2, NM_001048173.2, NM_001293195.2); c.958+3G>T (NM_001293190.2); c.988+3G>T (NM_012222.3); c.997+3G>T (NM_001128425.2); c.916+3G>T (NM_001048172.2); c.946+3G>T (NM_001293191.2).
Identifiers: ClinVar variation 479995 (VCV000479995.12), dbSNP rs864622394, ClinGen allele CA658656922.

ClinVar aggregate classification (germline): Uncertain significance. Review status: criteria provided, multiple submitters, no conflicts (2 of 4 stars). 3 submissions from 3 submitters: Uncertain significance (3). Last evaluated 2025-06-16.

Conditions:
Hereditary cancer-predisposing syndrome. Also called: Hereditary neoplastic syndrome; Hereditary Cancer Syndrome; Neoplastic Syndromes, Hereditary; Tumor predisposition. Identifiers: Orphanet 140162, MedGen C0027672, MeSH D009386, MONDO:0015356.
Familial adenomatous polyposis 2. Also called: MYH-associated polyposis; COLORECTAL ADENOMATOUS POLYPOSIS, AUTOSOMAL RECESSIVE; ADENOMAS, MULTIPLE COLORECTAL, AUTOSOMAL RECESSIVE; MUTYH-related attenuated familial adenomatous polyposis; Adenomas, multiple colorectal; FAP type 2. Identifiers: Orphanet 220460, Orphanet 247798, MedGen C3272841, MONDO:0012041, OMIM 608456.

Submissions (3):

Ambry Genetics
Classification: Uncertain significance for Hereditary cancer-predisposing syndrome. Last evaluated: 2025-06-16. Review status: criteria provided, single submitter. Criteria: Ambry Variant Classification Scheme 2023. Collection method: clinical testing. Allele origin: germline.
Comment: The c.997+3G>T intronic variant results from a G to T substitution 3 nucleotides after coding exon 11 in the MUTYH gene. This nucleotide position is not well conserved in available vertebrate species. In silico splice site analysis predicts that this alteration will weaken the native splice donor site. RNA studies have demonstrated that this alteration results in an incomplete splice defect; the clinical impact of this abnormal splicing is unknown at this time (Ambry internal data). Based on the available evidence, the clinical significance of this variant remains unclear.

Women's Health and Genetics/Laboratory Corporation of America, LabCorp
Classification: Uncertain significance. Last evaluated: 2024-12-05. Review status: criteria provided, single submitter. Criteria: LabCorp Variant Classification Summary - May 2015. Collection method: clinical testing. Allele origin: germline.

Labcorp Genetics (formerly Invitae), Labcorp
Classification: Uncertain significance for Familial adenomatous polyposis 2. Last evaluated: 2024-09-30. Review status: criteria provided, single submitter. Criteria: Invitae Variant Classification Sherloc (09022015). Collection method: clinical testing. Allele origin: germline.
Comment: This sequence change falls in intron 11 of the MUTYH gene. It does not directly change the encoded amino acid sequence of the MUTYH protein. It affects a nucleotide within the consensus splice site. This variant is not present in population databases (gnomAD no frequency). This variant has not been reported in the literature in individuals affected with MUTYH-related conditions. ClinVar contains an entry for this variant (Variation ID: 479995). Variants that disrupt the consensus splice site are a relatively common cause of aberrant splicing (PMID: 17576681, 9536098). Algorithms developed to predict the effect of sequence changes on RNA splicing suggest that this variant may disrupt the consensus splice site. In summary, the available evidence is currently insufficient to determine the role of this variant in disease. Therefore, it has been classified as a Variant of Uncertain Significance.

Literature cited by the submitters: PubMed 17576681 (cited by Labcorp Genetics (formerly Invitae), Labcorp); PubMed 9536098 (cited by Labcorp Genetics (formerly Invitae), Labcorp).